The following is an entry in ClinVar:

ClinVar aggregate classification (germline): Uncertain significance (1 of 4 stars; one submission).

Conditions:
Neurofibromatosis, type 1 (NF1). Also called: NEUROFIBROMATOSIS, TYPE I, SOMATIC; Peripheral type neurofibromatosis; VON RECKLINGHAUSEN DISEASE; Neurofibromatosis, type I. Identifiers: Orphanet 636, MedGen C0027831, MONDO:0018975, OMIM 162200. Disease mechanism: loss of function.

Allele frequency attached by ClinVar (database versions not stated): TOPMed 0.00002.

Submission:

Labcorp Genetics (formerly Invitae), Labcorp
Classification: Uncertain significance for Neurofibromatosis, type 1. Last evaluated: 2022-11-14. Review status: criteria provided, single submitter. Criteria: Invitae Variant Classification Sherloc (09022015). Collection method: clinical testing. Allele origin: germline.
Comment: In summary, the available evidence is currently insufficient to determine the role of this variant in disease. Therefore, it has been classified as a Variant of Uncertain Significance. Advanced modeling of protein sequence and biophysical properties (such as structural, functional, and spatial information, amino acid conservation, physicochemical variation, residue mobility, and thermodynamic stability) performed at Invitae indicates that this missense variant is expected to disrupt NF1 protein function. This variant is not present in population databases (gnomAD no frequency). This variant has not been reported in the literature in individuals affected with NF1-related conditions. This sequence change replaces proline, which is neutral and non-polar, with serine, which is neutral and polar, at codon 1410 of the NF1 protein (p.Pro1410Ser).

NM_001042492.3(NF1):c.4291C>T (p.Pro1431Ser)

Gene: NF1 (neurofibromin 1; plus strand). Cytogenetic location: 17q11.2.
Variant type: single nucleotide variant.
Coding change: c.4291C>T on transcript NM_001042492.3 (MANE Select); coding-DNA position 4291, C replaced by T.
Protein change: p.Pro1431Ser; replaces proline 1431 with serine.
Molecular consequence: missense variant.
Genome position (GRCh38, 1-based): chr17:31,258,461, C>T. VCF-style: chr17-31258461-C-T. GRCh37 (hg19) VCF-style: chr17-29585479-C-T.
Other names: c.4228C>T, p.Pro1410Ser (NM_000267.4); short protein forms P1431S, P1410S.
Identifiers: ClinVar variation 2814276 (VCV002814276.3), dbSNP rs930267534, ClinGen allele CA289350601.
Genomic context (GRCh38, chr17:31,258,461, plus strand): 5'-CTCAGATTTATCAATCCTGCCATTGTCTCACCGTATGAAGCAGGGATTTTAGATAAAAAG[C>T]CACCACCTAGAATCGAAAGGGGCTTGAAGTTAATGTCAAAGGTGAATTATTTTGATAATC-3'
Protein context (NP_001035957.1, residues 1421-1441): PYEAGILDKK[Pro1431Ser]PPRIERGLKL